The following is an entry in ClinVar:

ClinVar aggregate classification (germline): Uncertain significance (1 of 4 stars; one submission).

Conditions:
Neurodevelopmental disorder with microcephaly, impaired language, epilepsy, and gait abnormalities. Identifiers: MedGen C5436788, MONDO:0030837, OMIM 619092.

Submission:

Neuberg Centre For Genomic Medicine, NCGM
Classification: Uncertain significance for Neurodevelopmental disorder with microcephaly, impaired language, epilepsy, and gait abnormalities. Last evaluated: 2023-06-02. Review status: criteria provided, single submitter. Criteria: ACMG Guidelines, 2015. Collection method: clinical testing. Allele origin: germline. Inheritance: Autosomal dominant inheritance. Affected: yes.
Comment: The missense variant c.1228G>A (p.Gly410Arg) in the NARS1 gene has not been reported previously as a pathogenic variant nor as a benign variant, to our knowledge. This variant is absent in the gnomAD Exomes. The amino acid Gly at position 410 is changed to a Arg changing protein sequence and it might alter its composition and physico-chemical properties. Multiple lines of computational evidence (Polyphen - Damaging, SIFT - Damaging and MutationTaster - Disease causing) predict a damaging effect on protein structure and function for this variant. The amino acid change p.Gly410Arg in NARS1 is predicted as conserved by GERP++ and PhyloP across 100 vertebrates. For these reasons, this variant has been classified as Uncertain Significance.

NM_004539.4(NARS1):c.1228G>A (p.Gly410Arg)

Gene: NARS1 (asparaginyl-tRNA synthetase 1; minus strand). Cytogenetic location: 18q21.31.
Variant type: single nucleotide variant.
Coding change: c.1228G>A on transcript NM_004539.4 (MANE Select); coding-DNA position 1228, G replaced by A.
Protein change: p.Gly410Arg; replaces glycine 410 with arginine.
Molecular consequence: missense variant.
Genome position (GRCh38, 1-based): chr18:57,605,880, C>T on the plus strand (G>A on the coding strand, the complement: NARS1 is on the minus strand). VCF-style: chr18-57605880-C-T. GRCh37 (hg19) VCF-style: chr18-55273112-C-T.
Other names: short protein forms G410R.
Identifiers: ClinVar variation 3362301 (VCV003362301.3).